The following is an entry in ClinVar:

NM_000722.4(CACNA2D1):c.2574+3A>C

Gene: CACNA2D1 (calcium voltage-gated channel auxiliary subunit alpha2delta 1; minus strand). Cytogenetic location: 7q21.11.
Variant type: single nucleotide variant.
Coding change: c.2574+3A>C on transcript NM_000722.4 (MANE Select); 3 bases into the intron after coding-DNA position 2574, A replaced by C.
Molecular consequence: intron variant.
Genome position (GRCh38, 1-based): chr7:81,965,591, T>G on the plus strand (A>C on the coding strand, the complement: CACNA2D1 is on the minus strand). VCF-style: chr7-81965591-T-G. GRCh37 (hg19) VCF-style: chr7-81594907-T-G.
Other names: c.2610+3A>C (NM_001366867.1).
Identifiers: ClinVar variation 2740218 (VCV002740218.3), dbSNP rs533025081, ClinGen allele CA4317582.
Genomic context (GRCh38, chr7:81,965,591, plus strand): 5'-TGTAATGTTGATCCGGGAAACACACTTTGGAAAGCCTAATTCCCTCTTATTTGAGGTACA[T>G]ACCTGATTAGTATAATCATCATGATTTGCCATCAGAAGAAACCCACCATCATCCAGAATC-3'

ClinVar aggregate classification (germline): Uncertain significance (1 of 4 stars; one submission).

Conditions:
Brugada syndrome. Also called: Sudden Unexplained Death Syndrome; Sudden Unexplained Nocturnal Death Syndrome (SUNDS); Sudden unexplained nocturnal death syndrome; Sudden unexpected nocturnal death syndrome. Identifiers: Orphanet 130, MedGen C1142166, MONDO:0015263.

Allele frequency attached by ClinVar (database versions not stated): gnomAD 0.00001; ExAC 0.00002; 1000 Genomes Project 30x 0.00016; 1000 Genomes Project 0.00020.
gnomAD v4.1: 2 of 1,508,436 alleles (0.00013%); highest among the groups gnomAD compares: East Asian, 0.0023%; no homozygotes.

Submission:

Labcorp Genetics (formerly Invitae), Labcorp
Classification: Uncertain significance for Brugada syndrome. Last evaluated: 2023-12-14. Review status: criteria provided, single submitter. Criteria: Invitae Variant Classification Sherloc (09022015). Collection method: clinical testing. Allele origin: germline.
Comment: This sequence change falls in intron 32 of the CACNA2D1 gene. It does not directly change the encoded amino acid sequence of the CACNA2D1 protein. It affects a nucleotide within the consensus splice site. This variant is present in population databases (rs533025081, gnomAD 0.01%). This variant has not been reported in the literature in individuals affected with CACNA2D1-related conditions. Variants that disrupt the consensus splice site are a relatively common cause of aberrant splicing (PMID: 17576681, 9536098). Algorithms developed to predict the effect of sequence changes on RNA splicing suggest that this variant is not likely to affect RNA splicing. In summary, the available evidence is currently insufficient to determine the role of this variant in disease. Therefore, it has been classified as a Variant of Uncertain Significance.

Literature cited by the submitters: PubMed 17576681; PubMed 9536098.